The following is an entry in ClinVar:

ClinVar aggregate classification (germline): Uncertain significance. Review status: criteria provided, multiple submitters, no conflicts (2 of 4 stars). 2 submissions from 2 submitters: Uncertain significance (2). Last evaluated 2024-03-22.

Conditions:
Pyle metaphyseal dysplasia (PYL). Also called: Pyle disease; Metaphyseal dysostosis. Identifiers: Orphanet 3005, MedGen C0265294, MONDO:0009943, OMIM 265900.

Allele frequency attached by ClinVar (database versions not stated): 1000 Genomes Project 30x 0.00016; 1000 Genomes Project 0.00020; gnomAD 0.00028 and 0.00031; TOPMed 0.00028; gnomAD exomes 0.00039; ExAC 0.00041; ESP Exome Variant Server 0.00046.
gnomAD v4.1: 613 of 1,613,742 alleles (0.038%); highest among the groups gnomAD compares: Non-Finnish European, 0.044%; 1 homozygote.

Submissions (2):

Fulgent Genetics
Classification: Uncertain significance for Pyle metaphyseal dysplasia. Last evaluated: 2024-03-22. Review status: criteria provided, single submitter. Criteria: ACMG Guidelines, 2015. Collection method: clinical testing. Allele origin: germline.

Labcorp Genetics (formerly Invitae), Labcorp
Classification: Uncertain significance. Last evaluated: 2022-08-19. Review status: criteria provided, single submitter. Criteria: Invitae Variant Classification Sherloc (09022015). Collection method: clinical testing. Allele origin: germline.
Comment: This sequence change replaces threonine, which is neutral and polar, with methionine, which is neutral and non-polar, at codon 189 of the SFRP4 protein (p.Thr189Met). This variant is present in population databases (rs149860855, gnomAD 0.06%). This variant has not been reported in the literature in individuals affected with SFRP4-related conditions. ClinVar contains an entry for this variant (Variation ID: 1374436). Algorithms developed to predict the effect of missense changes on protein structure and function are either unavailable or do not agree on the potential impact of this missense change (SIFT: "Deleterious"; PolyPhen-2: "Possibly Damaging"; Align-GVGD: "Class C15"). In summary, the available evidence is currently insufficient to determine the role of this variant in disease. Therefore, it has been classified as a Variant of Uncertain Significance.

NM_003014.4(SFRP4):c.566C>T (p.Thr189Met)

Gene: SFRP4 (secreted frizzled related protein 4; minus strand). Cytogenetic location: 7p14.1.
Variant type: single nucleotide variant.
Coding change: c.566C>T on transcript NM_003014.4 (MANE Select); coding-DNA position 566, C replaced by T.
Protein change: p.Thr189Met; replaces threonine 189 with methionine.
Molecular consequence: missense variant.
Genome position (GRCh38, 1-based): chr7:37,914,239, G>A on the plus strand (C>T on the coding strand, the complement: SFRP4 is on the minus strand). VCF-style: chr7-37914239-G-A. GRCh37 (hg19) VCF-style: chr7-37953841-G-A.
Other names: short protein forms T189M.
Identifiers: ClinVar variation 1374436 (VCV001374436.4), dbSNP rs149860855, ClinGen allele CA4222798.
Genomic context (GRCh38, chr7:37,914,239, plus strand): 5'-TCTCAAAAGTAAATGGCTTTAACAGACGACTTACCATAGCTGTAGTTTTTGCTGAGATAC[G>A]TTGCCAAAGTTGGCTTCACCTTTTTACACTTGCACCGATCTAAAAAAGGCAGAAGAGGCA-3'
Protein context (NP_003005.2, residues 179-199): KCKKVKPTLA[Thr189Met]YLSKNYSYVI